The following is an entry in ClinVar:

ClinVar aggregate classification (germline): Pathogenic (1 of 4 stars; one submission).

Submission:

Labcorp Genetics (formerly Invitae), Labcorp
Classification: Pathogenic. Last evaluated: 2024-02-05. Review status: criteria provided, single submitter. Criteria: Invitae Variant Classification Sherloc (09022015). Collection method: clinical testing. Allele origin: germline.
Comment: This sequence change creates a premature translational stop signal (p.Asp696Thrfs*5) in the RBP3 gene. It is expected to result in an absent or disrupted protein product. Loss-of-function variants in RBP3 are known to be pathogenic (PMID: 9614228, 23105016, 25766589). This variant is not present in population databases (gnomAD no frequency). This variant has not been reported in the literature in individuals affected with RBP3-related conditions. ClinVar contains an entry for this variant (Variation ID: 1402243). For these reasons, this variant has been classified as Pathogenic.

Literature cited by the submitters: PubMed 9614228; PubMed 23105016; PubMed 25766589.

NM_002900.3(RBP3):c.2086del (p.Asp696fs)

Gene: RBP3 (retinol binding protein 3; plus strand). Cytogenetic location: 10q11.22.
Variant type: Deletion.
Coding change: c.2086del on transcript NM_002900.3 (MANE Select); coding-DNA position 2086, one base deleted (G; older notation c.2086delG).
Protein change: p.Asp696fs; shifts the reading frame from aspartic acid 696.
Molecular consequence: frameshift variant.
Genome position (GRCh38, 1-based): chr10:47,350,570, G deleted; the last of 4 consecutive G bases (chr10:47,350,567-47,350,570); deleting any one gives the same sequence. VCF-style (leftmost placement, unchanged base first): chr10-47350566-TG-T. GRCh37 (hg19) VCF-style: chr10-48388791-TC-T.
Other names: short protein forms D696fs.
Identifiers: ClinVar variation 1402243 (VCV001402243.6), dbSNP rs2132254606, ClinGen allele CA2573145151.